The following is an entry in ClinVar:

ClinVar aggregate classification (germline): Conflicting classifications of pathogenicity. Review status: criteria provided, conflicting classifications (1 of 4 stars). 4 submissions from 4 submitters: Pathogenic (1); Likely pathogenic (2); Uncertain significance (1). Last evaluated 2025-12-15.

Conditions:
Sessile serrated polyposis cancer syndrome (SSPCS). Identifiers: Orphanet 157798, MedGen C4310714, MONDO:0014919, OMIM 617108.

Allele frequency attached by ClinVar (database versions not stated): gnomAD exomes 0.00001.
gnomAD v4.1: 10 of 1,550,698 alleles (0.00064%); highest among the groups gnomAD compares: Non-Finnish European, 0.00087%; no homozygotes.

Submissions (4):

Myriad Genetics, Inc.
Classification: Pathogenic for Sessile serrated polyposis cancer syndrome. Last evaluated: 2025-12-15. Review status: criteria provided, single submitter. Criteria: Myriad Autosomal Dominant, Autosomal Recessive and X-Linked Classification Criteria (2023). Collection method: clinical testing. Allele origin: unknown.
Comment: This variant is considered pathogenic. This variant creates a termination codon and is predicted to result in premature protein truncation.

Ambry Genetics
Classification: Uncertain significance. Last evaluated: 2025-05-01. Review status: criteria provided, single submitter. Criteria: Ambry Variant Classification Scheme 2023. Collection method: clinical testing. Allele origin: germline.
Comment: The p.R330* variant (also known as c.988C>T), located in coding exon 8 of the RNF43 gene, results from a C to T substitution at nucleotide position 988. This changes the amino acid from an arginine to a stop codon within coding exon 8. This alteration is expected to result in loss of function by premature protein truncation or nonsense-mediated mRNA decay. The evidence for this gene-disease relationship is limited; therefore, the clinical significance of this alteration is unclear.

CeGaT Center for Human Genetics Tuebingen
Classification: Likely pathogenic. Last evaluated: 2020-05-01. Review status: criteria provided, single submitter. Criteria: CeGaT Center For Human Genetics Tuebingen Variant Classification Criteria Version 2. Collection method: clinical testing. Allele origin: germline. Affected: yes. Observed: 1 variant allele.

Kasturba Medical College, Manipal, Kasturba Medical College, Manipal, Manipal Academy of Higher Education, Manipal, India
Classification: Likely pathogenic for Sessile serrated polyposis cancer syndrome. Review status: criteria provided, single submitter. Criteria: ACMG Guidelines, 2015. Collection method: clinical testing. Allele origin: paternal. Affected: yes. Observed: 1 heterozygote.

Literature cited by the submitters: DOI 10.1097/PAS.0000000000000877 (cited by Kasturba Medical College, Manipal, Kasturba Medical College, Manipal, Manipal Academy of Higher Education, Manipal, India).

NM_017763.6(RNF43):c.988C>T (p.Arg330Ter)

Gene: RNF43 (ring finger protein 43; minus strand). Cytogenetic location: 17q22.
Variant type: single nucleotide variant.
Coding change: c.988C>T on transcript NM_017763.6 (MANE Select); coding-DNA position 988, C replaced by T.
Protein change: p.Arg330Ter; replaces arginine 330 with a stop codon.
Molecular consequence: nonsense.
Genome position (GRCh38, 1-based): chr17:58,358,788, G>A on the plus strand (C>T on the coding strand, the complement: RNF43 is on the minus strand). VCF-style: chr17-58358788-G-A. GRCh37 (hg19) VCF-style: chr17-56436149-G-A.
Other names: c.988C>T, p.Arg330Ter (NM_001305544.3); c.607C>T, p.Arg203Ter (NM_001305545.2); c.988C>T (NM_017763.4); short protein forms R203*, R330*.
Identifiers: ClinVar variation 932427 (VCV000932427.41), dbSNP rs1972767451, ClinGen allele CA400332375.